The following is an entry in ClinVar:

ClinVar aggregate classification (germline): Uncertain significance. Review status: criteria provided, multiple submitters, no conflicts (2 of 4 stars). 2 submissions from 2 submitters: Uncertain significance (2). Last evaluated 2024-10-01.

Conditions:
Hereditary spastic paraplegia 73. Also called: Spastic paraplegia 73, autosomal dominant. Identifiers: Orphanet 444099, MedGen C5568981, MONDO:0014568, OMIM 616282.

gnomAD v4.1: 36 of 1,610,640 alleles (0.0022%); highest among the groups gnomAD compares: Middle Eastern, 0.017%; no homozygotes.

Submissions (2):

Ambry Genetics
Classification: Uncertain significance. Last evaluated: 2024-10-01. Review status: criteria provided, single submitter. Criteria: Ambry Variant Classification Scheme 2023. Collection method: clinical testing. Allele origin: germline.

Labcorp Genetics (formerly Invitae), Labcorp
Classification: Uncertain significance for Hereditary spastic paraplegia 73. Last evaluated: 2024-03-13. Review status: criteria provided, single submitter. Criteria: Invitae Variant Classification Sherloc (09022015). Collection method: clinical testing. Allele origin: germline.
Comment: This sequence change replaces threonine, which is neutral and polar, with methionine, which is neutral and non-polar, at codon 611 of the CPT1C protein (p.Thr611Met). This variant is present in population databases (no rsID available, gnomAD 0.01%). This variant has not been reported in the literature in individuals affected with CPT1C-related conditions. An algorithm developed to predict the effect of missense changes on protein structure and function (PolyPhen-2) suggests that this variant is likely to be disruptive. In summary, the available evidence is currently insufficient to determine the role of this variant in disease. Therefore, it has been classified as a Variant of Uncertain Significance.

NM_001199753.2(CPT1C):c.1865C>T (p.Thr622Met)

Gene: CPT1C (carnitine palmitoyltransferase 1C; plus strand). Cytogenetic location: 19q13.33.
Variant type: single nucleotide variant.
Coding change: c.1865C>T on transcript NM_001199753.2 (MANE Select); coding-DNA position 1865, C replaced by T.
Protein change: p.Thr622Met; replaces threonine 622 with methionine.
Molecular consequence: missense variant. On other transcripts: non-coding transcript variant (1), intron variant (3).
Genome position (GRCh38, 1-based): chr19:49,710,856, C>T. VCF-style: chr19-49710856-C-T. GRCh37 (hg19) VCF-style: chr19-50214113-C-T.
Other names: c.1832C>T, p.Thr611Met (NM_001136052.3, NM_001378485.1); c.1865C>T, p.Thr622Met (NM_001199752.3, NM_001378483.1, NM_001378484.1 and 1 more transcripts); c.1931C>T, p.Thr644Met (NM_001378482.1); c.1731+372C>T (NM_001378486.1, NM_001378488.1); c.1698+372C>T (NM_001378487.1); short protein forms T611M, T644M, T622M.
Identifiers: ClinVar variation 3496660 (VCV003496660.3).
Genomic context (GRCh38, chr19:49,710,856, plus strand): 5'-TGCGGTCTTGCACGAGGGAGGCCTGCAACTTTGTCAGGGCCATGGAGGACAAAGAGAAGA[C>T]GGTGGGTGCAGCCCTCGCTTGAGGCTTCAGTTATTTCTGTGTACTCACTCATCCACTTGC-3'
Protein context (NP_001186682.1, residues 612-632): FVRAMEDKEK[Thr622Met]DPQCLALFRV